The following is an entry in ClinVar:

NM_018965.4(TREM2):c.635A>G (p.Asp212Gly)

Gene: TREM2 (triggering receptor expressed on myeloid cells 2; minus strand). Cytogenetic location: 6p21.1.
Variant type: single nucleotide variant.
Coding change: c.635A>G on transcript NM_018965.4 (MANE Select); coding-DNA position 635, A replaced by G.
Protein change: p.Asp212Gly; replaces aspartic acid 212 with glycine.
Molecular consequence: missense variant. On other transcripts: intron variant (1).
Genome position (GRCh38, 1-based): chr6:41,158,914, T>C on the plus strand (A>G on the coding strand, the complement: TREM2 is on the minus strand). VCF-style: chr6-41158914-T-C. GRCh37 (hg19) VCF-style: chr6-41126652-T-C.
Other names: c.483-134A>G (NM_001271821.2); short protein forms D212G.
Identifiers: ClinVar variation 1389159 (VCV001389159.6), dbSNP rs2113877123, ClinGen allele CA364057386.

ClinVar aggregate classification (germline): Uncertain significance (1 of 4 stars; one submission).

Submission:

Labcorp Genetics (formerly Invitae), Labcorp
Classification: Uncertain significance. Last evaluated: 2021-10-24. Review status: criteria provided, single submitter. Criteria: Invitae Variant Classification Sherloc (09022015). Collection method: clinical testing. Allele origin: germline.
Comment: In summary, the available evidence is currently insufficient to determine the role of this variant in disease. Therefore, it has been classified as a Variant of Uncertain Significance. Algorithms developed to predict the effect of missense changes on protein structure and function output the following: SIFT: "Tolerated"; PolyPhen-2: "Benign"; Align-GVGD: "Class C0". The glycine amino acid residue is found in multiple mammalian species, which suggests that this missense change does not adversely affect protein function. This variant has not been reported in the literature in individuals affected with TREM2-related conditions. This variant is not present in population databases (ExAC no frequency). This sequence change replaces aspartic acid with glycine at codon 212 of the TREM2 protein (p.Asp212Gly). The aspartic acid residue is moderately conserved and there is a moderate physicochemical difference between aspartic acid and glycine.